The following is an entry in ClinVar:

ClinVar aggregate classification (germline): Likely benign (1 of 4 stars; one submission).

gnomAD v4.1: 17 of 1,597,968 alleles (0.0011%); highest among the groups gnomAD compares: Non-Finnish European, 0.0013%; no homozygotes.

Submission:

CeGaT Center for Human Genetics Tuebingen
Classification: Likely benign. Last evaluated: 2026-04-01. Review status: criteria provided, single submitter. Criteria: CeGaT Center For Human Genetics Tuebingen Variant Classification Criteria Version 2. Collection method: clinical testing. Allele origin: germline. Affected: yes. Observed: 1 variant allele.
Comment: SHANK2: BP4, BP7

NM_012309.5(SHANK2):c.2643G>A (p.Pro881=)

Gene: SHANK2 (SH3 and multiple ankyrin repeat domains 2; minus strand). Cytogenetic location: 11q13.3.
Variant type: single nucleotide variant.
Coding change: c.2643G>A on transcript NM_012309.5 (MANE Select); coding-DNA position 2643, G replaced by A.
Protein change: p.Pro881=; no amino-acid change (proline 881 retained).
Molecular consequence: synonymous variant.
Genome position (GRCh38, 1-based): chr11:70,487,650, C>T on the plus strand (G>A on the coding strand, the complement: SHANK2 is on the minus strand). VCF-style: chr11-70487650-C-T. GRCh37 (hg19) VCF-style: chr11-70333755-C-T.
Other names: c.1506G>A, p.Pro502= (NM_001379226.1); c.2763G>A, p.Pro921= (NM_001441024.1); c.2592G>A, p.Pro864= (NM_001441025.1, NM_001441026.1, NM_001441027.1 and 8 more transcripts); c.2565G>A, p.Pro855= (NM_001441035.1, NM_001441036.1, NM_001441037.1); c.2520G>A, p.Pro840= (NM_001441038.1); c.1476G>A, p.Pro492= (NM_001441040.1); c.1428G>A, p.Pro476= (NM_001441041.1); c.870G>A, p.Pro290= (NM_001441042.1); and 6 more.
Identifiers: ClinVar variation 4873294 (VCV004873294.2).